The following is an entry in ClinVar:

NM_001372066.1(TFAP2A):c.1289G>A (p.Ser430Asn)

Gene: TFAP2A (transcription factor AP-2 alpha; minus strand). Cytogenetic location: 6p24.3.
Variant type: single nucleotide variant.
Coding change: c.1289G>A on transcript NM_001372066.1 (MANE Select); coding-DNA position 1289, G replaced by A.
Protein change: p.Ser430Asn; replaces serine 430 with asparagine.
Molecular consequence: missense variant.
Genome position (GRCh38, 1-based): chr6:10,398,448, C>T on the plus strand (G>A on the coding strand, the complement: TFAP2A is on the minus strand). VCF-style: chr6-10398448-C-T. GRCh37 (hg19) VCF-style: chr6-10398681-C-T.
Other names: NM_003220.2:c.1283G>A; c.1265G>A, p.Ser422Asn (NM_001032280.3); c.1271G>A, p.Ser424Asn (NM_001042425.3); short protein forms S422N, S424N, S430N.
Identifiers: ClinVar variation 1202377 (VCV001202377.8), dbSNP rs778294642, ClinGen allele CA3631073.

ClinVar aggregate classification (germline): Uncertain significance. Review status: criteria provided, multiple submitters, no conflicts (2 of 4 stars). 2 submissions from 2 submitters: Uncertain significance (2). Last evaluated 2022-08-28.

Allele frequency attached by ClinVar (database versions not stated): gnomAD exomes below 0.00001; ExAC 0.00001; gnomAD 0.00001; TOPMed 0.00001.

Submissions (2):

Labcorp Genetics (formerly Invitae), Labcorp
Classification: Uncertain significance. Last evaluated: 2022-08-28. Review status: criteria provided, single submitter. Criteria: Invitae Variant Classification Sherloc (09022015). Collection method: clinical testing. Allele origin: germline.
Comment: In summary, the available evidence is currently insufficient to determine the role of this variant in disease. Therefore, it has been classified as a Variant of Uncertain Significance. Algorithms developed to predict the effect of missense changes on protein structure and function (SIFT, PolyPhen-2, Align-GVGD) all suggest that this variant is likely to be tolerated. ClinVar contains an entry for this variant (Variation ID: 1202377). This variant has not been reported in the literature in individuals affected with TFAP2A-related conditions. This variant is present in population databases (rs778294642, gnomAD 0.002%). This sequence change replaces serine, which is neutral and polar, with asparagine, which is neutral and polar, at codon 428 of the TFAP2A protein (p.Ser428Asn).

GeneDx
Classification: Uncertain significance. Last evaluated: 2020-09-21. Review status: criteria provided, single submitter. Criteria: GeneDx Variant Classification Process June 2021. Collection method: clinical testing. Allele origin: germline. Affected: yes.
Comment: Not observed at a significant frequency in large population cohorts (Lek et al., 2016); In silico analysis supports that this missense variant does not alter protein structure/function; Has not been previously published as pathogenic or benign to our knowledge